The following is an entry in ClinVar:

NM_024649.5(BBS1):c.646G>A (p.Val216Met)

Gene: BBS1 (Bardet-Biedl syndrome 1; plus strand). Cytogenetic location: 11q13.2.
Variant type: single nucleotide variant.
Coding change: c.646G>A on transcript NM_024649.5 (MANE Select); coding-DNA position 646, G replaced by A.
Protein change: p.Val216Met; replaces valine 216 with methionine.
Molecular consequence: missense variant.
Genome position (GRCh38, 1-based): chr11:66,519,671, G>A. VCF-style: chr11-66519671-G-A. GRCh37 (hg19) VCF-style: chr11-66287142-G-A.
Other names: short protein forms V216M.
Identifiers: ClinVar variation 1037930 (VCV001037930.6), dbSNP rs764165386, ClinGen allele CA224075354.

ClinVar aggregate classification (germline): Uncertain significance. Review status: criteria provided, single submitter (1 of 4 stars). 2 submissions from 2 submitters: Uncertain significance (1). 1 of the submissions does not count toward it. Last evaluated 2023-11-20.

Conditions:
Bardet-Biedl syndrome 1 (BBS1). Identifiers: MedGen C2936862, MONDO:0008854, OMIM 209900. Disease mechanism: loss of function.
Bardet-Biedl syndrome (BBS). Identifiers: Orphanet 110, MedGen C0752166, MONDO:0015229.

Allele frequency attached by ClinVar (database versions not stated): gnomAD 0.00001; TOPMed 0.00002.
gnomAD v4.1: 3 of 1,613,812 alleles (0.00019%); highest among the groups gnomAD compares: Non-Finnish European, 0.00025%; no homozygotes.

Submissions (2):

Labcorp Genetics (formerly Invitae), Labcorp
Classification: Uncertain significance for Bardet-Biedl syndrome. Last evaluated: 2023-11-20. Review status: criteria provided, single submitter. Criteria: Invitae Variant Classification Sherloc (09022015). Collection method: clinical testing. Allele origin: germline.
Comment: This sequence change replaces valine, which is neutral and non-polar, with methionine, which is neutral and non-polar, at codon 216 of the BBS1 protein (p.Val216Met). This variant is not present in population databases (gnomAD no frequency). This variant has not been reported in the literature in individuals affected with BBS1-related conditions. ClinVar contains an entry for this variant (Variation ID: 1037930). Advanced modeling of protein sequence and biophysical properties (such as structural, functional, and spatial information, amino acid conservation, physicochemical variation, residue mobility, and thermodynamic stability) performed at Invitae indicates that this missense variant is not expected to disrupt BBS1 protein function with a negative predictive value of 80%. In summary, the available evidence is currently insufficient to determine the role of this variant in disease. Therefore, it has been classified as a Variant of Uncertain Significance.

Natera, Inc.
Classification: Uncertain significance for Bardet-Biedl syndrome type 1. Last evaluated: 2020-08-03. Review status: no assertion criteria provided. Collection method: clinical testing. Allele origin: germline. Not counted in ClinVar's aggregate classification.